The following is an entry in ClinVar:

ClinVar aggregate classification (germline): Uncertain significance. Review status: criteria provided, multiple submitters, no conflicts (2 of 4 stars). 3 submissions from 3 submitters: Uncertain significance (3). Last evaluated 2026-08-27.

Conditions:
Hereditary cancer-predisposing syndrome. Also called: Neoplastic Syndromes, Hereditary; Hereditary Cancer Syndrome; Tumor predisposition; Hereditary neoplastic syndrome. Identifiers: Orphanet 140162, MedGen C0027672, MeSH D009386, MONDO:0015356.
POLD1-related polyposis and colorectal cancer syndrome (CRCS10). Also called: COLORECTAL CANCER, SUSCEPTIBILITY TO, ON CHROMOSOME 19q; Colorectal cancer 10; Colorectal cancer, susceptibility to, 10. Identifiers: Orphanet 220460, MedGen C2675481, MONDO:0012953, OMIM 612591.

Allele frequency attached by ClinVar (database versions not stated): gnomAD exomes 0.00001.
gnomAD v4.1: 3 of 1,614,142 alleles (0.00019%); highest among the groups gnomAD compares: Non-Finnish European, 0.00017%; no homozygotes.

Submissions (3):

Ambry Genetics
Classification: Uncertain significance for Hereditary cancer-predisposing syndrome. Last evaluated: 2026-08-27. Review status: criteria provided, single submitter. Criteria: Ambry Variant Classification Scheme 2023. Collection method: clinical testing. Allele origin: germline.
Comment: The p.D76H variant (also known as c.226G>C), located in coding exon 2 of the POLD1 gene, results from a G to C substitution at nucleotide position 226. The aspartic acid at codon 76 is replaced by histidine, an amino acid with similar properties. This amino acid position is conserved. In addition, this alteration is predicted to be tolerated by in silico analysis. Based on the available evidence, the clinical significance of this variant remains unclear.

Dasa
Classification: Uncertain significance. Last evaluated: 2025-03-26. Review status: criteria provided, single submitter. Criteria: DASA Assertion Criteria. Collection method: clinical testing. Allele origin: germline.
Comment: NM_002691.4(POLD1):c.226G>C (p.Asp76His) is a missense variant that results in the substitution of aspartic acid with histidine. This variant is rare in population databases. Computational prediction algorithms are consistent with a benign effect. The currently available literature and clinical evidence are not sufficient to establish a definitive association between this variant and the reported condition. Therefore, this variant is classified as a variant of uncertain significance.

Labcorp Genetics (formerly Invitae), Labcorp
Classification: Uncertain significance for POLD1-related polyposis and colorectal cancer syndrome. Last evaluated: 2024-06-06. Review status: criteria provided, single submitter. Criteria: Invitae Variant Classification Sherloc (09022015). Collection method: clinical testing. Allele origin: germline.
Comment: This sequence change replaces aspartic acid, which is acidic and polar, with histidine, which is basic and polar, at codon 76 of the POLD1 protein (p.Asp76His). This variant is not present in population databases (gnomAD no frequency). This variant has not been reported in the literature in individuals affected with POLD1-related conditions. ClinVar contains an entry for this variant (Variation ID: 951418). Advanced modeling of protein sequence and biophysical properties (such as structural, functional, and spatial information, amino acid conservation, physicochemical variation, residue mobility, and thermodynamic stability) performed at Invitae indicates that this missense variant is not expected to disrupt POLD1 protein function with a negative predictive value of 80%. In summary, the available evidence is currently insufficient to determine the role of this variant in disease. Therefore, it has been classified as a Variant of Uncertain Significance.

NM_002691.4(POLD1):c.226G>C (p.Asp76His)

Gene: POLD1 (DNA polymerase delta 1, catalytic subunit; plus strand). Cytogenetic location: 19q13.33.
Variant type: single nucleotide variant.
Coding change: c.226G>C on transcript NM_002691.4 (MANE Select); coding-DNA position 226, G replaced by C.
Protein change: p.Asp76His; replaces aspartic acid 76 with histidine.
Molecular consequence: missense variant. On other transcripts: non-coding transcript variant (1).
Genome position (GRCh38, 1-based): chr19:50,399,394, G>C. VCF-style: chr19-50399394-G-C. GRCh37 (hg19) VCF-style: chr19-50902651-G-C.
Other names: c.226G>C, p.Asp76His (NM_001256849.1, NM_001308632.1); c.226G>C (NM_002691.2); short protein forms D76H.
Identifiers: ClinVar variation 951418 (VCV000951418.10), dbSNP rs1270501754, ClinGen allele CA406970420.